The following is an entry in ClinVar:

NM_000051.4(ATM):c.901+2T>C

Gene: ATM (ATM serine/threonine kinase; plus strand). Cytogenetic location: 11q22.3.
Variant type: single nucleotide variant.
Coding change: c.901+2T>C on transcript NM_000051.4 (MANE Select); the canonical splice donor site of the intron after coding-DNA position 901, T replaced by C.
Molecular consequence: splice donor variant.
Genome position (GRCh38, 1-based): chr11:108,245,028, T>C. VCF-style: chr11-108245028-T-C. GRCh37 (hg19) VCF-style: chr11-108115755-T-C.
Other names: c.901+2T>C (NM_001351834.2).
Identifiers: ClinVar variation 631172 (VCV000631172.6), dbSNP rs1218815157, ClinGen allele CA382529668.
Genomic context (GRCh38, chr11:108,245,028, plus strand): 5'-ATTATTTCAACTGCAAATTTATATCCATCATCCGAAAGGAGCCAAAACCCAAGAAAAAGG[T>C]ATAAAGGAAATGTTTACTGTTTTGAATTTGCTTCTTCATTCAAACATAGAAGTCTAAGTA-3'

ClinVar aggregate classification (germline): Pathogenic/Likely pathogenic. Review status: criteria provided, multiple submitters, no conflicts (2 of 4 stars). 2 submissions from 2 submitters: Pathogenic (1); Likely pathogenic (1). Last evaluated 2020-08-06.

Conditions:
Hereditary cancer-predisposing syndrome. Also called: Tumor predisposition; Neoplastic Syndromes, Hereditary; Hereditary neoplastic syndrome; Hereditary Cancer Syndrome. Identifiers: Orphanet 140162, MedGen C0027672, MeSH D009386, MONDO:0015356.

Submissions (2):

Ambry Genetics
Classification: Pathogenic for Hereditary cancer-predisposing syndrome. Last evaluated: 2020-08-06. Review status: criteria provided, single submitter. Criteria: Ambry Variant Classification Scheme 2023. Collection method: clinical testing. Allele origin: germline.
Comment: The c.901+2T>C intronic pathogenic mutation results from a T to C substitution two nucleotides after coding exon 6 in the ATM gene. Though this exact alteration has not been reported in the literature, two other alterations impacting the same donor site (c.901+1G>A and c.901+2T>A) have been shown to have a similar impact on splicing and have been identified in individuals with ataxia telangiectasia (Mitui M et al. Hum. Mutat. 2003 Jul;22(1):43-50; Laake K et al. Hum. Mutat. 2000 Sep;16(3):232-46; Ambry internal data). In silico splice site analysis predicts that the c.901+2T>C alteration will weaken the native splice donor site. Alterations that disrupt the canonical splice site are expected to cause aberrant splicing, resulting in an abnormal protein or a transcript that is subject to nonsense-mediated mRNA decay. As such, this alteration is classified as a disease-causing mutation.

Color Diagnostics, LLC DBA Color Health
Classification: Likely pathogenic for Hereditary cancer-predisposing syndrome. Last evaluated: 2020-04-24. Review status: criteria provided, single submitter. Criteria: ACMG Guidelines, 2015. Collection method: clinical testing. Allele origin: germline.
Comment: This variant causes a T to C nucleotide substitution at the +2 position of intron 7 of the ATM gene. Splice site prediction tools suggest that this variant may have a significant impact on RNA splicing. Although this prediction has not been confirmed in published RNA studies, this variant is expected to result in an absent or disrupted protein product. This variant has not been reported in individuals affected with hereditary cancer in the literature. This variant has not been identified in the general population by the Genome Aggregation Database (gnomAD). Loss of ATM function is a known mechanism of disease. Based on the available evidence, this variant is classified as Likely Pathogenic.